The following is an entry in ClinVar:

NM_031471.6(FERMT3):c.1749C>A (p.Asp583Glu)

Gene: FERMT3 (FERM domain containing kindlin 3; plus strand). Cytogenetic location: 11q13.1.
Variant type: single nucleotide variant.
Coding change: c.1749C>A on transcript NM_031471.6 (MANE Select); coding-DNA position 1749, C replaced by A.
Protein change: p.Asp583Glu; replaces aspartic acid 583 with glutamic acid.
Molecular consequence: missense variant.
Genome position (GRCh38, 1-based): chr11:64,223,126, C>A. VCF-style: chr11-64223126-C-A. GRCh37 (hg19) VCF-style: chr11-63990598-C-A.
Other names: c.1209C>A, p.Asp403Glu (NM_001382363.1); c.1221C>A, p.Asp407Glu (NM_001382364.1); c.1749C>A, p.Asp583Glu (NM_001382448.1, NM_001382361.1); c.1761C>A, p.Asp587Glu (NM_178443.3, NM_001382362.1); short protein forms D583E, D587E, D403E, D407E.
Identifiers: ClinVar variation 3648141 (VCV003648141.2).

ClinVar aggregate classification (germline): Uncertain significance (1 of 4 stars; one submission).

Conditions:
Leukocyte adhesion deficiency 3. Also called: Leukocyte adhesion deficiency, type III; INTEGRIN ACTIVATION DEFICIENCY DISEASE; LEUKOCYTE ADHESION DEFICIENCY 1 VARIANT. Identifiers: Orphanet 2968, Orphanet 99844, MedGen C2748536, MONDO:0013016, OMIM 612840.

Submission:

Labcorp Genetics (formerly Invitae), Labcorp
Classification: Uncertain significance for Leukocyte adhesion deficiency 3. Last evaluated: 2025-01-27. Review status: criteria provided, single submitter. Criteria: Invitae Variant Classification Sherloc (09022015). Collection method: clinical testing. Allele origin: germline.
Comment: This sequence change replaces aspartic acid, which is acidic and polar, with glutamic acid, which is acidic and polar, at codon 583 of the FERMT3 protein (p.Asp583Glu). This variant is not present in population databases (gnomAD no frequency). This variant has not been reported in the literature in individuals affected with FERMT3-related conditions. Invitae Evidence Modeling of protein sequence and biophysical properties (such as structural, functional, and spatial information, amino acid conservation, physicochemical variation, residue mobility, and thermodynamic stability) indicates that this missense variant is not expected to disrupt FERMT3 protein function with a negative predictive value of 80%. In summary, the available evidence is currently insufficient to determine the role of this variant in disease. Therefore, it has been classified as a Variant of Uncertain Significance.